The following is an entry in ClinVar:

NM_000179.3(MSH6):c.552T>G (p.Asn184Lys)

Gene: MSH6 (mutS homolog 6; plus strand). Cytogenetic location: 2p16.3.
Variant type: single nucleotide variant.
Coding change: c.552T>G on transcript NM_000179.3 (MANE Select); coding-DNA position 552, T replaced by G.
Protein change: p.Asn184Lys; replaces asparagine 184 with lysine.
Molecular consequence: missense variant. On other transcripts: 5 prime UTR variant (1), intron variant (2).
Genome position (GRCh38, 1-based): chr2:47,795,988, T>G. VCF-style: chr2-47795988-T-G. GRCh37 (hg19) VCF-style: chr2-48023127-T-G.
Other names: c.-351T>G (NM_001281494.2); c.-279-2623T>G (NM_001281493.2); c.238-2623T>G (NM_001281492.2); c.552T>G (NM_000179.2); short protein forms N184K.
Identifiers: ClinVar variation 1370225 (VCV001370225.10), dbSNP rs786203679, ClinGen allele CA346738750.

ClinVar aggregate classification (germline): Uncertain significance. Review status: criteria provided, multiple submitters, no conflicts (2 of 4 stars). 3 submissions from 3 submitters: Uncertain significance (3). Last evaluated 2026-09-06.

Conditions:
Hereditary nonpolyposis colorectal neoplasms. Identifiers: MedGen C0009405, MeSH D003123.
Hereditary cancer-predisposing syndrome. Also called: Hereditary Cancer Syndrome; Neoplastic Syndromes, Hereditary; Hereditary neoplastic syndrome; Tumor predisposition. Identifiers: Orphanet 140162, MedGen C0027672, MeSH D009386, MONDO:0015356.
Endometrial carcinoma. Also called: Endometrial carcinoma, somatic. Identifiers: MedGen C0476089, MONDO:0002447, OMIM 608089, HP:0012114.

Submissions (3):

Ambry Genetics
Classification: Uncertain significance for Hereditary cancer-predisposing syndrome. Last evaluated: 2026-09-06. Review status: criteria provided, single submitter. Criteria: Ambry Variant Classification Scheme 2023. Collection method: clinical testing. Allele origin: germline.
Comment: The p.N184K variant (also known as c.552T>G), located in coding exon 3 of the MSH6 gene, results from a T to G substitution at nucleotide position 552. The asparagine at codon 184 is replaced by lysine, an amino acid with similar properties. This amino acid position is conserved. In addition, this alteration is predicted to be tolerated by in silico analysis. Based on the available evidence, the clinical significance of this variant remains unclear.

Baylor Genetics
Classification: Uncertain significance for Endometrial carcinoma. Last evaluated: 2023-08-20. Review status: criteria provided, single submitter. Criteria: ACMG Guidelines, 2015. Collection method: clinical testing. Allele origin: unknown.

Labcorp Genetics (formerly Invitae), Labcorp
Classification: Uncertain significance for Hereditary nonpolyposis colorectal neoplasms. Last evaluated: 2021-07-27. Review status: criteria provided, single submitter. Criteria: Invitae Variant Classification Sherloc (09022015). Collection method: clinical testing. Allele origin: germline.
Comment: This variant is not present in population databases (ExAC no frequency). In summary, the available evidence is currently insufficient to determine the role of this variant in disease. Therefore, it has been classified as a Variant of Uncertain Significance. Advanced modeling of protein sequence and biophysical properties (such as structural, functional, and spatial information, amino acid conservation, physicochemical variation, residue mobility, and thermodynamic stability) performed at Invitae indicates that this missense variant is not expected to disrupt MSH6 protein function. This variant has not been reported in the literature in individuals affected with MSH6-related conditions. This sequence change replaces asparagine with lysine at codon 184 of the MSH6 protein (p.Asn184Lys). The asparagine residue is weakly conserved and there is a moderate physicochemical difference between asparagine and lysine.